The following is an entry in ClinVar:

ClinVar aggregate classification (germline): Uncertain significance (1 of 4 stars; one submission).

Conditions:
Inborn genetic diseases. Identifiers: MedGen C0950123, MeSH D030342.

Submission:

Ambry Genetics
Classification: Uncertain significance for Inborn genetic diseases. Last evaluated: 2025-12-10. Review status: criteria provided, single submitter. Criteria: Ambry Variant Classification Scheme 2023. Collection method: clinical testing. Allele origin: germline.
Comment: The p.L1436F variant (also known as c.4306C>T), located in coding exon 43 of the FANCA gene, results from a C to T substitution at nucleotide position 4306. The leucine at codon 1436 is replaced by phenylalanine, an amino acid with highly similar properties. This amino acid position is conserved. In addition, the in silico prediction for this alteration is inconclusive. Based on the available evidence, the clinical significance of this variant remains unclear.

NM_000135.4(FANCA):c.4306C>T (p.Leu1436Phe)

Genes: FANCA (FA complementation group A; minus strand), ZNF276 (zinc finger protein 276; plus strand). Cytogenetic location: 16q24.3.
Variant type: single nucleotide variant.
Coding change: c.4306C>T on transcript NM_000135.4 (MANE Select); coding-DNA position 4306, C replaced by T.
Protein change: p.Leu1436Phe; replaces leucine 1436 with phenylalanine.
Molecular consequence: missense variant. On other transcripts: 3 prime UTR variant (3), non-coding transcript variant (4).
Genome position (GRCh38, 1-based): chr16:89,738,663, G>A on the plus strand (C>T on the coding strand, the complement: FANCA is on the minus strand). VCF-style: chr16-89738663-G-A. GRCh37 (hg19) VCF-style: chr16-89805071-G-A.
Other names: c.*35C>T (NM_001286167.3); c.*417G>A (NM_001113525.2, NM_152287.4); short protein forms L1436F.
Identifiers: ClinVar variation 4619312 (VCV004619312.1).